The following is an entry in ClinVar:

ClinVar aggregate classification (germline): Uncertain significance. Review status: criteria provided, multiple submitters, no conflicts (2 of 4 stars). 2 submissions from 2 submitters: Uncertain significance (2). Last evaluated 2025-01-13.

Allele frequency attached by ClinVar (database versions not stated): ESP Exome Variant Server 0.00008; TOPMed 0.00011.
gnomAD v4.1: 467 of 1,554,174 alleles (0.03%); highest among the groups gnomAD compares: Non-Finnish European, 0.039%; no homozygotes.

Submissions (2):

Labcorp Genetics (formerly Invitae), Labcorp
Classification: Uncertain significance. Last evaluated: 2025-01-13. Review status: criteria provided, single submitter. Criteria: Invitae Variant Classification Sherloc (09022015). Collection method: clinical testing. Allele origin: germline.
Comment: This sequence change replaces glycine, which is neutral and non-polar, with aspartic acid, which is acidic and polar, at codon 460 of the SAMD11 protein (p.Gly460Asp). This variant is present in population databases (rs368804486, gnomAD 0.02%). This variant has not been reported in the literature in individuals affected with SAMD11-related conditions. ClinVar contains an entry for this variant (Variation ID: 1965813). An algorithm developed to predict the effect of missense changes on protein structure and function (PolyPhen-2) suggests that this variant¬†is likely to be tolerated. In summary, the available evidence is currently insufficient to determine the role of this variant in disease. Therefore, it has been classified as a Variant of Uncertain Significance.

Ambry Genetics
Classification: Uncertain significance. Last evaluated: 2021-06-11. Review status: criteria provided, single submitter. Criteria: Ambry Variant Classification Scheme 2023. Collection method: clinical testing. Allele origin: germline.

NM_001385641.1(SAMD11):c.1868G>A (p.Gly623Asp)

Gene: SAMD11 (sterile alpha motif domain containing 11; plus strand). Cytogenetic location: 1p36.33.
Variant type: single nucleotide variant.
Coding change: c.1868G>A on transcript NM_001385641.1 (MANE Select); coding-DNA position 1868, G replaced by A.
Protein change: p.Gly623Asp; replaces glycine 623 with aspartic acid.
Molecular consequence: missense variant.
Genome position (GRCh38, 1-based): chr1:942,873, G>A. VCF-style: chr1-942873-G-A. GRCh37 (hg19) VCF-style: chr1-878253-G-A.
Other names: c.1871G>A, p.Gly624Asp (NM_001385640.1); c.1379G>A, p.Gly460Asp (NM_152486.4); short protein forms G460D, G624D, G623D.
Identifiers: ClinVar variation 1965813 (VCV001965813.4), dbSNP rs368804486, ClinGen allele CA503007.